The following is an entry in ClinVar:

ClinVar aggregate classification (germline): Uncertain significance (1 of 4 stars; one submission).

Submission:

GeneDx
Classification: Uncertain significance. Last evaluated: 2019-11-02. Review status: criteria provided, single submitter. Criteria: GeneDx Variant Classification Process June 2021. Collection method: clinical testing. Allele origin: germline. Affected: yes.
Comment: Has not been previously published as pathogenic or benign to our knowledge; Not observed in large population cohorts (Lek et al., 2016); In silico analysis, which includes protein predictors and evolutionary conservation, supports a deleterious effect

NM_006618.5(KDM5B):c.1577C>T (p.Ala526Val)

Gene: KDM5B (lysine demethylase 5B; minus strand). Cytogenetic location: 1q32.1.
Variant type: single nucleotide variant.
Coding change: c.1577C>T on transcript NM_006618.5 (MANE Select); coding-DNA position 1577, C replaced by T.
Protein change: p.Ala526Val; replaces alanine 526 with valine.
Molecular consequence: missense variant.
Genome position (GRCh38, 1-based): chr1:202,753,029, G>A on the plus strand (C>T on the coding strand, the complement: KDM5B is on the minus strand). VCF-style: chr1-202753029-G-A. GRCh37 (hg19) VCF-style: chr1-202722157-G-A.
Other names: c.1685C>T, p.Ala562Val (NM_001314042.2); c.1442C>T, p.Ala481Val (NM_001347591.2); c.1562C>T, p.Ala521Val (NM_001399817.1); short protein forms A481V, A526V, A562V, A521V.
Identifiers: ClinVar variation 1309646 (VCV001309646.3), dbSNP rs2102256749, ClinGen allele CA344269651.